The following is an entry in ClinVar:

NM_005445.4(SMC3):c.483A>C (p.Glu161Asp)

Gene: SMC3 (structural maintenance of chromosomes 3; plus strand). Cytogenetic location: 10q25.2.
Variant type: single nucleotide variant.
Coding change: c.483A>C on transcript NM_005445.4 (MANE Select); coding-DNA position 483, A replaced by C.
Protein change: p.Glu161Asp; replaces glutamic acid 161 with aspartic acid.
Molecular consequence: missense variant.
Genome position (GRCh38, 1-based): chr10:110,580,957, A>C. VCF-style: chr10-110580957-A-C. GRCh37 (hg19) VCF-style: chr10-112340715-A-C.
Other names: short protein forms E161D.
Identifiers: ClinVar variation 3364745 (VCV003364745.1).

ClinVar aggregate classification (germline): Uncertain significance (1 of 4 stars; one submission).

Submission:

GeneDx
Classification: Uncertain significance. Last evaluated: 2023-11-20. Review status: criteria provided, single submitter. Criteria: GeneDx Variant Classification Process June 2021. Collection method: clinical testing. Allele origin: germline. Affected: yes.
Comment: Not observed at significant frequency in large population cohorts (gnomAD); In silico analysis supports that this missense variant has a deleterious effect on protein structure/function; Has not been previously published as pathogenic or benign to our knowledge